The following is an entry in ClinVar:

ClinVar aggregate classification (germline): Pathogenic (1 of 4 stars; one submission).

Conditions:
Cardiovascular phenotype. Identifiers: MedGen CN230736.
Hereditary cancer-predisposing syndrome. Also called: Tumor predisposition; Neoplastic Syndromes, Hereditary; Hereditary Cancer Syndrome; Hereditary neoplastic syndrome. Identifiers: Orphanet 140162, MedGen C0027672, MeSH D009386, MONDO:0015356.

Submission:

Ambry Genetics
Classification: Pathogenic for Cardiovascular phenotype; Hereditary cancer-predisposing syndrome. Last evaluated: 2025-01-16. Review status: criteria provided, single submitter. Criteria: Ambry Variant Classification Scheme 2023. Collection method: clinical testing. Allele origin: germline.
Comment: The c.5090dupA pathogenic mutation, located in coding exon 36 of the NF1 gene, results from a duplication of A at nucleotide position 5090, causing a translational frameshift with a predicted alternate stop codon (p.H1697Qfs*5). This variant is considered to be rare based on population cohorts in the Genome Aggregation Database (gnomAD). This alteration is expected to result in loss of function by premature protein truncation or nonsense-mediated mRNA decay. As such, this alteration is interpreted as a disease-causing mutation.

NM_001042492.3(NF1):c.5153dup (p.His1718fs)

Gene: NF1 (neurofibromin 1; plus strand). Cytogenetic location: 17q11.2.
Variant type: Duplication.
Coding change: c.5153dup on transcript NM_001042492.3 (MANE Select); coding-DNA position 5153, one base duplicated (A; older notation c.5153dupA).
Protein change: p.His1718fs; shifts the reading frame from histidine 1718.
Molecular consequence: frameshift variant.
Genome position (GRCh38, 1-based): chr17:31,326,137, A duplicated. VCF-style (leftmost placement, unchanged base first): chr17-31326136-C-CA. GRCh37 (hg19) VCF-style: chr17-29653154-C-CA.
Other names: c.5090dup, p.His1697Glnfs (NM_000267.4); c.5090dupA (NM_000267.3); short protein forms H1697fs, H1718fs.
Identifiers: ClinVar variation 3879038 (VCV003879038.1).
Genomic context (GRCh38, chr17:31,326,136, plus strand): 5'-ACTGGCCTCAAAGGTAGCAAAAGGCTTGTTTTCATAGACTGTCCTGGGAAACTGGCTGAG[C>CA]ACATAGAGCATGAACAACAGAAACTACCTGCTGCCACCTTGGCTTTAGAAGAGGACCTGA-3'